The following is an entry in ClinVar:

ClinVar aggregate classification (germline): Uncertain significance. Review status: criteria provided, multiple submitters, no conflicts (2 of 4 stars). 2 submissions from 2 submitters: Uncertain significance (2). Last evaluated 2026-08-16.

Conditions:
CEP290-related disorder. Also called: CEP290-related disorders; CEP290-related condition. Identifiers: MedGen CN239314.
Joubert syndrome. Also called: JOUBERT-BOLTSHAUSER SYNDROME; Familial aplasia of the vermis. Identifiers: Orphanet 475, MedGen C5979921, MONDO:0018772.
Nephronophthisis. Also called: Juvenile Nephronophthisis. Identifiers: Orphanet 655, MedGen C0687120, MONDO:0019005, HP:0000090.
Meckel-Gruber syndrome. Also called: DYSENCEPHALIA SPLANCHNOCYSTICA; GRUBER SYNDROME; Dysencephalia splachnocystica. Identifiers: Orphanet 564, MedGen C0265215, MONDO:0018921.

Submissions (2):

PreventionGenetics, part of Exact Sciences
Classification: Uncertain significance for CEP290-related condition. Last evaluated: 2026-08-16. Review status: criteria provided, single submitter. Criteria: ACMG Guidelines, 2015. Collection method: clinical testing. Allele origin: germline.
Comment: The CEP290 c.5218_5226del9 variant is predicted to result in an in-frame deletion (p.Gln1740_Lys1742del). This variant causes the loss of the last 3 codons of the exon 38 and is predicted to alter splicing based on available splicing prediction software (SpliceAI, Jaganathan et al. 2019. PubMed ID: 30661751). However, the use of computer prediction software is not equivalent to functional evidence. To our knowledge, this variant has not been reported in the literature. This variant is reported in 0.0065% of alleles in individuals of Latino descent in gnomAD. At this time, the clinical significance of this variant is uncertain due to the absence of conclusive functional and genetic evidence.

Labcorp Genetics (formerly Invitae), Labcorp
Classification: Uncertain significance for Joubert syndrome; Meckel-Gruber syndrome; Nephronophthisis. Last evaluated: 2022-02-10. Review status: criteria provided, single submitter. Criteria: Invitae Variant Classification Sherloc (09022015). Collection method: clinical testing. Allele origin: germline.
Comment: This variant, c.5218_5226del, results in the deletion of 3 amino acid(s) of the CEP290 protein (p.Gln1740_Lys1742del), but otherwise preserves the integrity of the reading frame. This variant is present in population databases (no rsID available, gnomAD 0.007%). This variant has not been reported in the literature in individuals affected with CEP290-related conditions. Algorithms developed to predict the effect of sequence changes on RNA splicing suggest that this variant may disrupt the consensus splice site. In summary, the available evidence is currently insufficient to determine the role of this variant in disease. Therefore, it has been classified as a Variant of Uncertain Significance.

NM_025114.4(CEP290):c.5218_5226del (p.Gln1740_Lys1742del)

Gene: CEP290 (centrosomal protein 290; minus strand). Cytogenetic location: 12q21.32.
Variant type: Deletion.
Coding change: c.5218_5226del on transcript NM_025114.4 (MANE Select); coding-DNA positions 5218 to 5226, 9 bases deleted (CAACAGAAA; older notation c.5218_5226delCAACAGAAA).
Protein change: p.Gln1740_Lys1742del.
Molecular consequence: inframe deletion.
Genome position (GRCh38, 1-based): chr12:88,080,182-88,080,190, TTTCTGTTG deleted on the plus strand (CAACAGAAA on the coding strand, the reverse complement: CEP290 is on the minus strand); deleting any 9 consecutive bases within chr12:88,080,182-88,080,195 gives the same sequence; the c. name uses the placement nearest the transcript's 3' end. VCF-style (leftmost placement, unchanged base first): chr12-88080181-CTTTCTGTTG-C. GRCh37 (hg19) VCF-style: chr12-88473958-CTTTCTGTTG-C.
Other names: c.5218_5226del9 (NM_025114.3).
Identifiers: ClinVar variation 2140811 (VCV002140811.3), dbSNP rs1565826928, ClinGen allele CA606675695.